The following is an entry in ClinVar:

NM_000104.4(CYP1B1):c.1018C>T (p.Gln340Ter)

Gene: CYP1B1 (cytochrome P450 family 1 subfamily B member 1; minus strand). Cytogenetic location: 2p22.2.
Variant type: single nucleotide variant.
Coding change: c.1018C>T on transcript NM_000104.4 (MANE Select); coding-DNA position 1018, C replaced by T.
Protein change: p.Gln340Ter; replaces glutamine 340 with a stop codon.
Molecular consequence: nonsense.
Genome position (GRCh38, 1-based): chr2:38,074,371, G>A on the plus strand (C>T on the coding strand, the complement: CYP1B1 is on the minus strand). VCF-style: chr2-38074371-G-A. GRCh37 (hg19) VCF-style: chr2-38301514-G-A.
Other names: NM_000104.4:c.1018C>T; short protein forms Q340*.
Identifiers: ClinVar variation 5037942 (VCV005037942.1).

ClinVar aggregate classification (germline): Likely pathogenic (3 of 4 stars; one submission).

Conditions:
CYP1B1-related glaucoma with or without anterior segment dysgenesis. Identifiers: MedGen CN375931, MONDO:0800472.

Submission:

ClinGen Glaucoma Variant Curation Expert Panel
Classification: Likely pathogenic for CYP1B1-related glaucoma with or without anterior segment dysgenesis. Last evaluated: 2026-10-27. Review status: reviewed by expert panel. Criteria: ClinGen Glaucoma ACMG Specifications CYP1B1 V2.0. Collection method: curation. Allele origin: germline. Inheritance: Autosomal recessive inheritance.
Comment: The c.1018C>T variant in CYP1B1 is predicted to cause a change in the length of the protein due to the insertion of a terminating codon instead of the usual Glutamine at amino acid 340 (p.Gln340Ter). This variant was not found in any genetic ancestry group of gnomAD (v4.1), meeting the ≤ 0.0005 threshold set for PM2_Supporting in a genetic ancestry group of at least 2,000 alleles. This nonsense variant was not predicted to undergo NMD but removes the haem-binding domain (PVS1 met). There was no functional evidence predicting a damaging or benign impact of this variant on CYP1B1 function. This variant has been identified in an individual with a CYP1B1-related phenotype (PMID:39158757). This individual is compound heterozygous for the variant and a variant of uncertain significance (phase unknown = 0 proband points), not meeting PM3_Supporting. In summary, this variant met the criteria to receive a score of 9 and to be classified as likely pathogenic (likely pathogenic classification range 6 to 9, adapted from PMID: 32720330) for CYP1B1-related glaucoma with or without anterior segment dysgenesis (ASD) based on the ACMG/AMP criteria met, as specified by the ClinGen Glaucoma VCEP (v2.0, 16.07.2026): PVS1, PM2_Supporting.